The following is an entry in ClinVar:

ClinVar aggregate classification (germline): Benign. Review status: criteria provided, multiple submitters, no conflicts (2 of 4 stars). 2 submissions from 2 submitters: Benign (2). Last evaluated 2018-06-16.

Allele frequency attached by ClinVar (database versions not stated): TOPMed 0.13533; 1000 Genomes Project 30x 0.13773; 1000 Genomes Project 0.13878; gnomAD 0.14226 and 0.14711; gnomAD exomes 0.19067.

Submissions (2):

GeneDx
Classification: Benign. Last evaluated: 2018-06-16. Review status: criteria provided, single submitter. Criteria: GeneDx Variant Classification (06012015). Collection method: clinical testing. Allele origin: germline. Affected: yes.
Comment: This variant is considered likely benign or benign based on one or more of the following criteria: it is a conservative change, it occurs at a poorly conserved position in the protein, it is predicted to be benign by multiple in silico algorithms, and/or has population frequency not consistent with disease.

Breakthrough Genomics
Classification: Benign. Review status: criteria provided, single submitter. Criteria: ACMG Guidelines, 2015. Collection method: not provided. Allele origin: germline. Inheritance: Autosomal recessive inheritance. Affected: yes.

NM_005262.3(GFER):c.456-105T>C

Gene: GFER (growth factor, augmenter of liver regeneration; plus strand). Cytogenetic location: 16p13.3.
Variant type: single nucleotide variant.
Coding change: c.456-105T>C on transcript NM_005262.3 (MANE Select); 105 bases into the intron before coding-DNA position 456, T replaced by C.
Molecular consequence: intron variant.
Genome position (GRCh38, 1-based): chr16:1,985,761, T>C. VCF-style: chr16-1985761-T-C. GRCh37 (hg19) VCF-style: chr16-2035762-T-C.
Identifiers: ClinVar variation 676125 (VCV000676125.2), dbSNP rs72766613, ClinGen allele CA14291484.